The following is an entry in ClinVar:

NM_015087.5(SPART):c.1954G>A (p.Asp652Asn)

Gene: SPART (spartin; minus strand). Cytogenetic location: 13q13.3.
Variant type: single nucleotide variant.
Coding change: c.1954G>A on transcript NM_015087.5 (MANE Select); coding-DNA position 1954, G replaced by A.
Protein change: p.Asp652Asn; replaces aspartic acid 652 with asparagine.
Molecular consequence: missense variant.
Genome position (GRCh38, 1-based): chr13:36,304,412, C>T on the plus strand (G>A on the coding strand, the complement: SPART is on the minus strand). VCF-style: chr13-36304412-C-T. GRCh37 (hg19) VCF-style: chr13-36878549-C-T.
Other names: c.1954G>A, p.Asp652Asn (NM_001142294.2, NM_001142295.2, NM_001142296.2); short protein forms D652N.
Identifiers: ClinVar variation 311764 (VCV000311764.13), dbSNP rs143274967, ClinGen allele CA6949246.
Genomic context (GRCh38, chr13:36,304,412, plus strand): 5'-TCCCAGCACTTCATCATTTATCTTTCTTCTTTGCCTCCTTTACTTCCTTCGTCTGCTCAT[C>T]CTTCTCCCCTCTCACGTTGACATTTGCTGCTCCTTCTTGATTTTCCCTCTGAGAATTATC-3'
Protein context (NP_055902.1, residues 642-662): AANVNVRGEK[Asp652Asn]EQTKEVKEAK

ClinVar aggregate classification (germline): Uncertain significance. Review status: criteria provided, multiple submitters, no conflicts (2 of 4 stars). 3 submissions from 3 submitters: Uncertain significance (3). Last evaluated 2026-01-19.

Conditions:
Troyer syndrome (SPG20). Identifiers: Orphanet 101000, MedGen C0393559, MONDO:0010156, OMIM 275900.
Inborn genetic diseases. Identifiers: MedGen C0950123, MeSH D030342.

Allele frequency attached by ClinVar (database versions not stated): ExAC 0.00001; gnomAD 0.00002; gnomAD exomes 0.00002 and 0.00005; TOPMed 0.00004; ESP Exome Variant Server 0.00008.
gnomAD v4.1: 71 of 1,614,006 alleles (0.0044%); highest among the groups gnomAD compares: Non-Finnish European, 0.0058%; no homozygotes.

Submissions (3):

Labcorp Genetics (formerly Invitae), Labcorp
Classification: Uncertain significance. Last evaluated: 2026-01-19. Review status: criteria provided, single submitter. Criteria: Invitae Variant Classification Sherloc (09022015). Collection method: clinical testing. Allele origin: germline.
Comment: This sequence change replaces aspartic acid, which is acidic and polar, with asparagine, which is neutral and polar, at codon 652 of the SPART protein (p.Asp652Asn). This variant is present in population databases (rs143274967, gnomAD 0.005%). This variant has not been reported in the literature in individuals affected with SPART-related conditions. ClinVar contains an entry for this variant (Variation ID: 311764). An algorithm developed to predict the effect of missense changes on protein structure and function (PolyPhen-2) suggests that this variant is likely to be tolerated. In summary, the available evidence is currently insufficient to determine the role of this variant in disease. Therefore, it has been classified as a Variant of Uncertain Significance.

Ambry Genetics
Classification: Uncertain significance for Inborn genetic diseases. Last evaluated: 2024-11-07. Review status: criteria provided, single submitter. Criteria: Ambry Variant Classification Scheme 2023. Collection method: clinical testing. Allele origin: germline.

Illumina Laboratory Services, Illumina
Classification: Uncertain significance for Troyer syndrome. Last evaluated: 2018-01-12. Review status: criteria provided, single submitter. Criteria: ICSL Variant Classification Criteria 13 December 2019. Collection method: clinical testing. Allele origin: germline.